The following is an entry in ClinVar:

NM_000368.5(TSC1):c.2141del (p.Leu714fs)

Gene: TSC1 (TSC complex subunit 1; minus strand). Cytogenetic location: 9q34.13.
Variant type: Deletion.
Coding change: c.2141del on transcript NM_000368.5 (MANE Select); coding-DNA position 2141, one base deleted (T; older notation c.2141delT).
Protein change: p.Leu714fs; shifts the reading frame from leucine 714.
Molecular consequence: frameshift variant.
Genome position (GRCh38, 1-based): chr9:132,903,718, A deleted on the plus strand (T on the coding strand, the reverse complement: TSC1 is on the minus strand). VCF-style (leftmost placement, unchanged base first): chr9-132903717-GA-G. GRCh37 (hg19) VCF-style: chr9-135779104-GA-G.
Other names: c.2138del, p.Leu713fs (NM_001162426.2); c.1988del, p.Leu663fs (NM_001162427.2); c.1778del, p.Leu593fs (NM_001362177.2); short protein forms L593fs, L663fs, L713fs, L714fs.
Identifiers: ClinVar variation 1075152 (VCV001075152.7), dbSNP rs2131764067, ClinGen allele CA2499219704.

ClinVar aggregate classification (germline): Pathogenic (1 of 4 stars; one submission).

Conditions:
Tuberous sclerosis 1 (TSC1). Identifiers: Orphanet 805, MedGen C1854465, MONDO:0008612, OMIM 191100.

Submission:

Labcorp Genetics (formerly Invitae), Labcorp
Classification: Pathogenic for Tuberous sclerosis 1. Last evaluated: 2020-03-26. Review status: criteria provided, single submitter. Criteria: Invitae Variant Classification Sherloc (09022015). Collection method: clinical testing. Allele origin: germline.
Comment: For these reasons, this variant has been classified as Pathogenic. Loss-of-function variants in TSC1 are known to be pathogenic (PMID: 10227394, 17304050). This variant has not been reported in the literature in individuals with TSC1-related conditions. This variant is not present in population databases (ExAC no frequency). This sequence change creates a premature translational stop signal (p.Leu714Profs*10) in the TSC1 gene. It is expected to result in an absent or disrupted protein product.

Literature cited by the submitters: PubMed 10227394; PubMed 17304050.